The following is an entry in ClinVar:

NM_001008537.3(NEXMIF):c.348dup (p.Glu117Ter)

Gene: NEXMIF (neurite extension and migration factor; minus strand). Cytogenetic location: Xq13.3.
Variant type: Duplication.
Coding change: c.348dup on transcript NM_001008537.3 (MANE Select); coding-DNA position 348, one base duplicated (T; older notation c.348dupT).
Protein change: p.Glu117Ter; replaces glutamic acid 117 with a stop codon.
Molecular consequence: nonsense.
Genome position (GRCh38, 1-based): chrX:74,744,209, A duplicated on the plus strand (T on the coding strand, the reverse complement: NEXMIF is on the minus strand). VCF-style (leftmost placement, unchanged base first): chrX-74744208-C-CA. GRCh37 (hg19) VCF-style: chrX-73964043-C-CA.
Other names: short protein forms E117*.
Identifiers: ClinVar variation 1805418 (VCV001805418.1), dbSNP rs2519916813, ClinGen allele CA2573102935.

ClinVar aggregate classification (germline): Pathogenic (1 of 4 stars; one submission).

Conditions:
X-linked intellectual disability, Cantagrel type (XLID98). Also called: INTELLECTUAL DEVELOPMENTAL DISORDER, X-LINKED 98. Identifiers: Orphanet 85277, MedGen C3806730, MONDO:0010483, OMIM 300912.

Submission:

Victorian Clinical Genetics Services, Murdoch Childrens Research Institute
Classification: Pathogenic for X-linked intellectual disability, Cantagrel type. Last evaluated: 2022-03-31. Review status: criteria provided, single submitter. Criteria: ACMG Guidelines, 2015. Collection method: clinical testing. Allele origin: germline. Inheritance: X-linked dominant inheritance.
Comment: Based on the classification scheme VCGS_Germline_v1.3.4, this variant is classified as Pathogenic. Following criteria are met: 0102 - Loss of function is a known mechanism of disease in this gene and is associated with intellectual developmental disorder, X-linked 98 (MIM#300912). (I) 0110 - This gene is associated with X-linked dominant disease. (I) 0115 - Variants in this gene are known to have variable expressivity. Males were found to be more severely affected and females tend to have a broader phenotypic spectrum, which is likely due to random X-chromosome inactivation. (I) 0201 - Variant is predicted to cause nonsense-mediated decay (NMD) and loss of protein (premature termination codon is located at least 54 nucleotides upstream of the final exon-exon junction). (SP) 0253 - This variant is hemizygous. (I) 0301 - Variant is absent from gnomAD (both v2 and v3). (SP) 0701 - Other NMD-predicted variants comparable to the one identified in this case have very strong previous evidence for pathogenicity (ClinVar, PMID: 33144681). (SP) 0807 - This variant has no previous evidence of pathogenicity. (I) 0905 - No published segregation evidence has been identified for this variant. (I) 1007 - No published functional evidence has been identified for this variant. (I) 1208 - Inheritance information for this variant is not currently available in this individual. (I) Legend: (SP) - Supporting pathogenic, (I) - Information, (SB) - Supporting benign

Literature cited by the submitters: PubMed 33144681.